The following is an entry in ClinVar:

NM_181552.4(CUX1):c.3887G>C (p.Arg1296Thr)

Gene: CUX1 (cut like homeobox 1; plus strand). Cytogenetic location: 7q22.1.
Variant type: single nucleotide variant.
Coding change: c.3887G>C on transcript NM_181552.4 (MANE Select); coding-DNA position 3887, G replaced by C.
Protein change: p.Arg1296Thr; replaces arginine 1296 with threonine.
Molecular consequence: missense variant. On other transcripts: intron variant (5).
Genome position (GRCh38, 1-based): chr7:102,239,584, G>C. VCF-style: chr7-102239584-G-C. GRCh37 (hg19) VCF-style: chr7-101882864-G-C.
Other names: c.3920G>C, p.Arg1307Thr (NM_001202543.2); c.1256-33782G>C (NM_001913.5); c.1250-33782G>C (NM_181500.4); c.1118-33782G>C (NM_001202545.3); c.1208-33782G>C (NM_001202544.3); c.1139-33782G>C (NM_001202546.3); short protein forms R1296T, R1307T.
Identifiers: ClinVar variation 4537608 (VCV004537608.1).

ClinVar aggregate classification (germline): Uncertain significance (1 of 4 stars; one submission).

Submission:

GeneDx
Classification: Uncertain significance. Last evaluated: 2025-06-13. Review status: criteria provided, single submitter. Criteria: GeneDx Variant Classification Process June 2021. Collection method: clinical testing. Allele origin: germline. Affected: yes.
Comment: Not observed at significant frequency in large population cohorts (gnomAD); In silico analysis supports that this missense variant has a deleterious effect on protein structure/function; In silico analysis is inconclusive as to whether the variant alters gene splicing. In the absence of RNA/functional studies, the actual effect of this sequence change is unknown.; Has not been previously published as pathogenic or benign to our knowledge